The following is an entry in ClinVar:

ClinVar aggregate classification (germline): Pathogenic (1 of 4 stars; one submission).

Conditions:
Familial cancer of breast. Also called: BREAST CANCER, FAMILIAL; hereditary breast carcinoma; Hereditary breast cancer. Identifiers: Orphanet 227535, MedGen C0346153, MONDO:0016419, OMIM 114480. Disease mechanism: loss of function.
Fanconi anemia complementation group J. Also called: BRIP1-Related Fanconi Anemia. Identifiers: Orphanet 84, MedGen C1836860, MONDO:0012187, OMIM 609054.

Submission:

Labcorp Genetics (formerly Invitae), Labcorp
Classification: Pathogenic for Familial cancer of breast; Fanconi anemia complementation group J. Last evaluated: 2021-09-08. Review status: criteria provided, single submitter. Criteria: Invitae Variant Classification Sherloc (09022015). Collection method: clinical testing. Allele origin: germline.
Comment: This variant is a gross deletion of the genomic region encompassing exon(s) 12-13 of the BRIP1 gene. This deletion is out-of-frame, and is expected to create a premature termination codon and result in an absent or disrupted protein product. Loss-of-function variants in BRIP1 are known to be pathogenic (PMID: 16116423, 17033622, 21964575). This variant has not been reported in the literature in individuals affected with BRIP1-related conditions. For these reasons, this variant has been classified as Pathogenic.

Literature cited by the submitters: PubMed 16116423; PubMed 17033622; PubMed 21964575.

NC_000017.10:g.(?_59857612)_(59858376_?)del

Gene: BRIP1 (BRCA1 interacting DNA helicase 1; minus strand). Cytogenetic location: 17q23.2.
Variant type: Deletion.
Identifiers: ClinVar variation 2427003 (VCV002427003.3).